The following is an entry in ClinVar:

NM_000051.4(ATM):c.5731G>C (p.Ala1911Pro)

Gene: ATM (ATM serine/threonine kinase; plus strand). Cytogenetic location: 11q22.3.
Variant type: single nucleotide variant.
Coding change: c.5731G>C on transcript NM_000051.4 (MANE Select); coding-DNA position 5731, G replaced by C.
Protein change: p.Ala1911Pro; replaces alanine 1911 with proline.
Molecular consequence: missense variant.
Genome position (GRCh38, 1-based): chr11:108,307,953, G>C. VCF-style: chr11-108307953-G-C. GRCh37 (hg19) VCF-style: chr11-108178680-G-C.
Other names: c.5731G>C, p.Ala1911Pro (NM_001351834.2); short protein forms A1911P.
Identifiers: ClinVar variation 1488078 (VCV001488078.6), dbSNP rs2135977350, ClinGen allele CA382547961.

ClinVar aggregate classification (germline): Uncertain significance (1 of 4 stars; one submission).

Conditions:
Ataxia-telangiectasia syndrome (AT). Also called: LOUIS-BAR SYNDROME; Ataxia-telangiectasia; Cerebello-oculocutaneous telangiectasia; Immunodeficiency with ataxia telangiectasia; ATAXIA-TELANGIECTASIA, COMPLEMENTATION GROUP A; ATAXIA-TELANGIECTASIA, FRESNO VARIANT. Identifiers: Orphanet 100, MedGen C0004135, MONDO:0008840, OMIM 208900.

Submission:

Labcorp Genetics (formerly Invitae), Labcorp
Classification: Uncertain significance for Ataxia-telangiectasia syndrome. Last evaluated: 2023-03-09. Review status: criteria provided, single submitter. Criteria: Invitae Variant Classification Sherloc (09022015). Collection method: clinical testing. Allele origin: germline.
Comment: In summary, the available evidence is currently insufficient to determine the role of this variant in disease. Therefore, it has been classified as a Variant of Uncertain Significance. An algorithm developed to predict the effect of missense changes on protein structure and function (PolyPhen-2) suggests that this variant is likely to be disruptive. ClinVar contains an entry for this variant (Variation ID: 1488078). This variant has not been reported in the literature in individuals affected with ATM-related conditions. This variant is not present in population databases (gnomAD no frequency). This sequence change replaces alanine, which is neutral and non-polar, with proline, which is neutral and non-polar, at codon 1911 of the ATM protein (p.Ala1911Pro).